The following is an entry in ClinVar:

ClinVar aggregate classification (germline): Uncertain significance (1 of 4 stars; one submission).

gnomAD v4.1: 1 of 1,500,584 alleles (0.000067%); highest among the groups gnomAD compares: Non-Finnish European, 0.00009%; no homozygotes.

Submission:

Labcorp Genetics (formerly Invitae), Labcorp
Classification: Uncertain significance. Last evaluated: 2024-11-13. Review status: criteria provided, single submitter. Criteria: Invitae Variant Classification Sherloc (09022015). Collection method: clinical testing. Allele origin: germline.
Comment: This sequence change replaces arginine, which is basic and polar, with glutamine, which is neutral and polar, at codon 19 of the CUL3 protein (p.Arg19Gln). This variant is not present in population databases (gnomAD no frequency). This variant has not been reported in the literature in individuals affected with CUL3-related conditions. Invitae Evidence Modeling of protein sequence and biophysical properties (such as structural, functional, and spatial information, amino acid conservation, physicochemical variation, residue mobility, and thermodynamic stability) indicates that this missense variant is not expected to disrupt CUL3 protein function with a negative predictive value of 95%. In summary, the available evidence is currently insufficient to determine the role of this variant in disease. Therefore, it has been classified as a Variant of Uncertain Significance.

NM_003590.5(CUL3):c.56G>A (p.Arg19Gln)

Genes: CUL3 (cullin 3; minus strand), LOC129935709 (ATAC-STARR-seq lymphoblastoid silent region 12382; plus strand). Cytogenetic location: 2q36.2.
Variant type: single nucleotide variant.
Coding change: c.56G>A on transcript NM_003590.5 (MANE Select); coding-DNA position 56, G replaced by A.
Protein change: p.Arg19Gln; replaces arginine 19 with glutamine.
Molecular consequence: missense variant.
Genome position (GRCh38, 1-based): chr2:224,584,954, C>T on the plus strand (G>A on the coding strand, the complement: CUL3 is on the minus strand). VCF-style: chr2-224584954-C-T. GRCh37 (hg19) VCF-style: chr2-225449671-C-T.
Other names: c.56G>A, p.Arg19Gln (NM_001257197.2); short protein forms R19Q.
Identifiers: ClinVar variation 3696811 (VCV003696811.2).